The following is an entry in ClinVar:

NM_032520.5(GNPTG):c.119A>G (p.Asn40Ser)

Gene: GNPTG (N-acetylglucosamine-1-phosphate transferase subunit gamma; plus strand). Cytogenetic location: 16p13.3.
Variant type: single nucleotide variant.
Coding change: c.119A>G on transcript NM_032520.5 (MANE Select); coding-DNA position 119, A replaced by G.
Protein change: p.Asn40Ser; replaces asparagine 40 with serine.
Molecular consequence: missense variant.
Genome position (GRCh38, 1-based): chr16:1,352,247, A>G. VCF-style: chr16-1352247-A-G. GRCh37 (hg19) VCF-style: chr16-1402248-A-G.
Other names: short protein forms N40S.
Identifiers: ClinVar variation 1045874 (VCV001045874.8), dbSNP rs2034698570, ClinGen allele CA394184310.

ClinVar aggregate classification (germline): Uncertain significance. Review status: criteria provided, single submitter (1 of 4 stars). 2 submissions from 2 submitters: Uncertain significance (1). 1 of the submissions does not count toward it. Last evaluated 2021-01-17.

Conditions:
GNPTG-mucolipidosis. Also called: ML III GAMMA; ML IIIC; Mucolipidosis type III gamma; MUCOLIPIDOSIS III, COMPLEMENTATION GROUP C; MUCOLIPIDOSIS III, IRANIAN VARIANT FORM; MUCOLIPIDOSIS III, VARIANT FORM. Identifiers: Orphanet 423470, Orphanet 577, MedGen C1854896, MONDO:0009652, OMIM 252605.

Submissions (2):

Labcorp Genetics (formerly Invitae), Labcorp
Classification: Uncertain significance. Last evaluated: 2021-01-17. Review status: criteria provided, single submitter. Criteria: Invitae Variant Classification Sherloc (09022015). Collection method: clinical testing. Allele origin: germline.
Comment: In summary, the available evidence is currently insufficient to determine the role of this variant in disease. Therefore, it has been classified as a Variant of Uncertain Significance. Algorithms developed to predict the effect of missense changes on protein structure and function (SIFT, PolyPhen-2, Align-GVGD) all suggest that this variant is likely to be tolerated, but these predictions have not been confirmed by published functional studies and their clinical significance is uncertain. This variant has not been reported in the literature in individuals with GNPTG-related conditions. This variant is not present in population databases (ExAC no frequency). This sequence change replaces asparagine with serine at codon 40 of the GNPTG protein (p.Asn40Ser). The asparagine residue is moderately conserved and there is a small physicochemical difference between asparagine and serine.

Natera, Inc.
Classification: Uncertain significance for Mucolipidosis III gamma. Last evaluated: 2020-05-07. Review status: no assertion criteria provided. Collection method: clinical testing. Allele origin: germline. Not counted in ClinVar's aggregate classification.